The following is an entry in ClinVar:

NM_007214.5(SEC63):c.1013A>G (p.Asn338Ser)

Gene: SEC63 (SEC63 protein translocation regulator; minus strand). Cytogenetic location: 6q21.
Variant type: single nucleotide variant.
Coding change: c.1013A>G on transcript NM_007214.5 (MANE Select); coding-DNA position 1013, A replaced by G.
Protein change: p.Asn338Ser; replaces asparagine 338 with serine.
Molecular consequence: missense variant.
Genome position (GRCh38, 1-based): chr6:107,904,670, T>C on the plus strand (A>G on the coding strand, the complement: SEC63 is on the minus strand). VCF-style: chr6-107904670-T-C. GRCh37 (hg19) VCF-style: chr6-108225874-T-C.
Other names: short protein forms N338S.
Identifiers: ClinVar variation 1921711 (VCV001921711.6), dbSNP rs2482065139, ClinGen allele CA365183312.

ClinVar aggregate classification (germline): Uncertain significance. Review status: criteria provided, multiple submitters, no conflicts (2 of 4 stars). 2 submissions from 2 submitters: Uncertain significance (2). Last evaluated 2024-02-23.

Allele frequency attached by ClinVar (database versions not stated): gnomAD exomes below 0.00001.
gnomAD v4.1: 1 of 1,613,914 alleles (0.000062%); highest among the groups gnomAD compares: Non-Finnish European, 0.000085%; no homozygotes.

Submissions (2):

Labcorp Genetics (formerly Invitae), Labcorp
Classification: Uncertain significance. Last evaluated: 2024-02-23. Review status: criteria provided, single submitter. Criteria: Invitae Variant Classification Sherloc (09022015). Collection method: clinical testing. Allele origin: germline.
Comment: This sequence change replaces asparagine, which is neutral and polar, with serine, which is neutral and polar, at codon 338 of the SEC63 protein (p.Asn338Ser). This variant is not present in population databases (gnomAD no frequency). This variant has not been reported in the literature in individuals affected with SEC63-related conditions. ClinVar contains an entry for this variant (Variation ID: 1921711). An algorithm developed to predict the effect of missense changes on protein structure and function (PolyPhen-2) suggests that this variant is likely to be tolerated. In summary, the available evidence is currently insufficient to determine the role of this variant in disease. Therefore, it has been classified as a Variant of Uncertain Significance.

Breakthrough Genomics
Classification: Uncertain significance. Review status: criteria provided, single submitter. Criteria: ACMG Guidelines, 2015. Collection method: not provided. Allele origin: germline. Inheritance: Autosomal dominant inheritance. Affected: yes.